The following is an entry in ClinVar:

NM_004646.4(NPHS1):c.2810G>A (p.Ser937Asn)

Gene: NPHS1 (NPHS1 adhesion molecule, nephrin; minus strand). Cytogenetic location: 19q13.12.
Variant type: single nucleotide variant.
Coding change: c.2810G>A on transcript NM_004646.4 (MANE Select); coding-DNA position 2810, G replaced by A.
Protein change: p.Ser937Asn; replaces serine 937 with asparagine.
Molecular consequence: missense variant.
Genome position (GRCh38, 1-based): chr19:35,841,720, C>T on the plus strand (G>A on the coding strand, the complement: NPHS1 is on the minus strand). VCF-style: chr19-35841720-C-T. GRCh37 (hg19) VCF-style: chr19-36332622-C-T.
Other names: short protein forms S937N.
Identifiers: ClinVar variation 1712427 (VCV001712427.7), dbSNP rs201194276, ClinGen allele CA9390026.
Genomic context (GRCh38, chr19:35,841,720, plus strand): 5'-TGGGAATGGATCCAGGGAGCACCCCCTCCCCAACACCCTCACAGCCCCTCCATACTGATG[C>T]TGACAAGTTGAATGTTGGTTTGGTCCGAGCCAAGGGCGTTGGTGGCTGTACATGTGAAGA-3'
Protein context (NP_004637.1, residues 927-947): GSDQTNIQLV[Ser937Asn]ISRPDPPSGL

ClinVar aggregate classification (germline): Uncertain significance. Review status: criteria provided, multiple submitters, no conflicts (2 of 4 stars). 5 submissions from 5 submitters: Uncertain significance (5). Last evaluated 2024-09-17.

Conditions:
NPHS1-related disorder. Also called: NPHS1-related condition.
Kidney disorder. Also called: renal disease; renal disorder; Nephropathy; Kidney disease; Kidney Diseases. Identifiers: MedGen C0022658, MONDO:0005240, HP:0000112.
Finnish congenital nephrotic syndrome (NPHS1). Also called: NEPHROTIC SYNDROME, TYPE 1. Identifiers: Orphanet 839, MedGen C0403399, MONDO:0009732, OMIM 256300.

Allele frequency attached by ClinVar (database versions not stated): gnomAD 0.00018; TOPMed 0.00018; ExAC 0.00024; gnomAD exomes 0.00027; ESP Exome Variant Server 0.00031.
gnomAD v4.1: 415 of 1,614,050 alleles (0.026%); highest among the groups gnomAD compares: Non-Finnish European, 0.034%; no homozygotes.

Submissions (5):

Blueprint Genetics
Classification: Uncertain significance. Last evaluated: 2024-09-17. Review status: criteria provided, single submitter. Criteria: ACMG Guidelines, 2015. Collection method: clinical testing. Allele origin: germline.

Fulgent Genetics
Classification: Uncertain significance for Finnish congenital nephrotic syndrome. Last evaluated: 2024-03-08. Review status: criteria provided, single submitter. Criteria: ACMG Guidelines, 2015. Collection method: clinical testing. Allele origin: germline.

PreventionGenetics, part of Exact Sciences
Classification: Uncertain significance for NPHS1-related condition. Last evaluated: 2023-01-20. Review status: criteria provided, single submitter. Criteria: ACMG Guidelines, 2015. Collection method: clinical testing. Allele origin: germline.
Comment: The NPHS1 c.2810G>A variant is predicted to result in the amino acid substitution p.Ser937Asn. To our knowledge, this variant has not been reported in the literature. This variant is reported in 0.031% of alleles in individuals of European (Non-Finnish) descent in gnomAD. At this time, the clinical significance of this variant is uncertain due to the absence of conclusive functional and genetic evidence.

Labcorp Genetics (formerly Invitae), Labcorp
Classification: Uncertain significance. Last evaluated: 2022-03-03. Review status: criteria provided, single submitter. Criteria: Invitae Variant Classification Sherloc (09022015). Collection method: clinical testing. Allele origin: germline.
Comment: This sequence change replaces serine, which is neutral and polar, with asparagine, which is neutral and polar, at codon 937 of the NPHS1 protein (p.Ser937Asn). This variant is present in population databases (rs201194276, gnomAD 0.03%). This variant has not been reported in the literature in individuals affected with NPHS1-related conditions. Algorithms developed to predict the effect of missense changes on protein structure and function are either unavailable or do not agree on the potential impact of this missense change (SIFT: "Tolerated"; PolyPhen-2: "Probably Damaging"; Align-GVGD: "Class C0"). Algorithms developed to predict the effect of sequence changes on RNA splicing suggest that this variant may disrupt the consensus splice site. In summary, the available evidence is currently insufficient to determine the role of this variant in disease. Therefore, it has been classified as a Variant of Uncertain Significance.

Genome Diagnostics Laboratory, The Hospital for Sick Children
Classification: Uncertain significance for Kidney disorder. Last evaluated: 2018-06-01. Review status: criteria provided, single submitter. Criteria: ACMG Guidelines, 2015. Collection method: clinical testing. Allele origin: germline.